The following is an entry in ClinVar:

NM_000268.4(NF2):c.223C>A (p.Leu75Ile)

Gene: NF2 (NF2, moesin-ezrin-radixin like (MERLIN) tumor suppressor; plus strand). Cytogenetic location: 22q12.2.
Variant type: single nucleotide variant.
Coding change: c.223C>A on transcript NM_000268.4 (MANE Select); coding-DNA position 223, C replaced by A.
Protein change: p.Leu75Ile; replaces leucine 75 with isoleucine.
Molecular consequence: missense variant. On other transcripts: non-coding transcript variant (1), intron variant (3).
Genome position (GRCh38, 1-based): chr22:29,636,859, C>A. VCF-style: chr22-29636859-C-A. GRCh37 (hg19) VCF-style: chr22-30032848-C-A.
Other names: c.223C>A (NM_000268.3); c.223C>A, p.Leu75Ile (NM_016418.5, NM_181825.3, NM_181829.3 and 2 more transcripts); c.115-2231C>A (NM_181828.3); c.115-5343C>A (NM_181830.3, NM_181831.3); short protein forms L75I.
Identifiers: ClinVar variation 1051271 (VCV001051271.10), dbSNP rs2146854583, ClinGen allele CA411152643.
Genomic context (GRCh38, chr22:29,636,859, plus strand): 5'-GGGCTCCGAGAAACCTGGTTCTTTGGACTGCAGTACACAATCAAGGACACAGTGGCCTGG[C>A]TCAAAATGGACAAGAAGGTTGGGCTAGAACTCGATGAAACTGGTGGGGCTGACGTGAGCT-3'
Protein context (NP_000259.1, residues 65-85): QYTIKDTVAW[Leu75Ile]KMDKKVLDHD

ClinVar aggregate classification (germline): Uncertain significance. Review status: criteria provided, multiple submitters, no conflicts (2 of 4 stars). 2 submissions from 2 submitters: Uncertain significance (2). Last evaluated 2025-07-18.

Conditions:
Hereditary cancer-predisposing syndrome. Also called: Neoplastic Syndromes, Hereditary; Hereditary Cancer Syndrome; Hereditary neoplastic syndrome; Tumor predisposition. Identifiers: Orphanet 140162, MedGen C0027672, MeSH D009386, MONDO:0015356.
Neurofibromatosis, type 2 (SWNV). Also called: BILATERAL ACOUSTIC NEUROFIBROMATOSIS; NF2-Related Schwannomatosis; SCHWANNOMATOSIS, VESTIBULAR. Identifiers: Orphanet 637, MedGen C0027832, MONDO:0007039, OMIM 101000. Disease mechanism: loss of function.

Submissions (2):

Ambry Genetics
Classification: Uncertain significance for Hereditary cancer-predisposing syndrome. Last evaluated: 2025-07-18. Review status: criteria provided, single submitter. Criteria: Ambry Variant Classification Scheme 2023. Collection method: clinical testing. Allele origin: germline.
Comment: The p.L75I variant (also known as c.223C>A), located in coding exon 2 of the NF2 gene, results from a C to A substitution at nucleotide position 223. The leucine at codon 75 is replaced by isoleucine, an amino acid with highly similar properties. This amino acid position is highly conserved in available vertebrate species. In addition, the in silico prediction for this alteration is inconclusive. Based on the available evidence, the clinical significance of this variant remains unclear.

Labcorp Genetics (formerly Invitae), Labcorp
Classification: Uncertain significance for Neurofibromatosis, type 2. Last evaluated: 2023-08-28. Review status: criteria provided, single submitter. Criteria: Invitae Variant Classification Sherloc (09022015). Collection method: clinical testing. Allele origin: germline.
Comment: In summary, the available evidence is currently insufficient to determine the role of this variant in disease. Therefore, it has been classified as a Variant of Uncertain Significance. Advanced modeling of protein sequence and biophysical properties (such as structural, functional, and spatial information, amino acid conservation, physicochemical variation, residue mobility, and thermodynamic stability) has been performed at Invitae for this missense variant, however the output from this modeling did not meet the statistical confidence thresholds required to predict the impact of this variant on NF2 protein function. ClinVar contains an entry for this variant (Variation ID: 1051271). This variant has not been reported in the literature in individuals affected with NF2-related conditions. This variant is not present in population databases (gnomAD no frequency). This sequence change replaces leucine, which is neutral and non-polar, with isoleucine, which is neutral and non-polar, at codon 75 of the NF2 protein (p.Leu75Ile).